The following is an entry in ClinVar:

ClinVar aggregate classification (germline): Uncertain significance. Review status: criteria provided, multiple submitters, no conflicts (2 of 4 stars). 5 submissions from 5 submitters: Uncertain significance (3). 2 of the submissions do not count toward it. Last evaluated 2025-04-12.

Allele frequency attached by ClinVar (database versions not stated): TOPMed 0.00014.
gnomAD v4.1: 168 of 1,551,574 alleles (0.011%); highest among the groups gnomAD compares: Middle Eastern, 0.12%; no homozygotes.

Submissions (5):

Labcorp Genetics (formerly Invitae), Labcorp
Classification: Uncertain significance. Last evaluated: 2025-04-12. Review status: criteria provided, single submitter. Criteria: Invitae Variant Classification Sherloc (09022015). Collection method: clinical testing. Allele origin: germline.
Comment: This sequence change replaces arginine, which is basic and polar, with cysteine, which is neutral and slightly polar, at codon 584 of the DTHD1 protein (p.Arg584Cys). This variant is present in population databases (rs181892217, gnomAD 0.02%). This variant has not been reported in the literature in individuals affected with DTHD1-related conditions. ClinVar contains an entry for this variant (Variation ID: 843415). An algorithm developed to predict the effect of missense changes on protein structure and function outputs the following: PolyPhen-2: "Benign". The cysteine amino acid residue is found in multiple mammalian species, which suggests that this missense change does not adversely affect protein function. In summary, the available evidence is currently insufficient to determine the role of this variant in disease. Therefore, it has been classified as a Variant of Uncertain Significance.

Blueprint Genetics
Classification: Uncertain significance. Last evaluated: 2024-08-16. Review status: criteria provided, single submitter. Criteria: ACMG Guidelines, 2015. Collection method: clinical testing. Allele origin: germline.

Breakthrough Genomics
Classification: Uncertain significance. Review status: criteria provided, single submitter. Criteria: ACMG Guidelines, 2015. Collection method: not provided. Allele origin: germline. Inheritance: Unknown mechanism. Affected: yes.

Clinical Genetics DNA and cytogenetics Diagnostics Lab, Erasmus MC, Erasmus Medical Center
Classification: Uncertain significance. Review status: no assertion criteria provided. Collection method: clinical testing. Allele origin: germline. Affected: yes. Study: VKGL Data-share Consensus. Not counted in ClinVar's aggregate classification.

Clinical Genetics, Academic Medical Center
Classification: Uncertain significance. Review status: no assertion criteria provided. Collection method: clinical testing. Allele origin: germline. Affected: yes. Study: VKGL Data-share Consensus. Not counted in ClinVar's aggregate classification.

NM_001170700.3(DTHD1):c.2620C>T (p.Arg874Cys)

Gene: DTHD1 (death domain containing 1; plus strand). Cytogenetic location: 4p14.
Variant type: single nucleotide variant.
Coding change: c.2620C>T on transcript NM_001170700.3 (MANE Select); coding-DNA position 2620, C replaced by T.
Protein change: p.Arg874Cys; replaces arginine 874 with cysteine.
Molecular consequence: missense variant. On other transcripts: synonymous variant (1), non-coding transcript variant (2).
Genome position (GRCh38, 1-based): chr4:36,343,723, C>T. VCF-style: chr4-36343723-C-T. GRCh37 (hg19) VCF-style: chr4-36345345-C-T.
Other names: c.1750C>T, p.Arg584Cys (NM_001136536.5); c.1629C>T, p.Ser543= (NM_001378435.1); short protein forms R874C, R584C.
Identifiers: ClinVar variation 843415 (VCV000843415.12), dbSNP rs181892217, ClinGen allele CA2885755.
Genomic context (GRCh38, chr4:36,343,723, plus strand): 5'-TTCTGGAAAAAATCGCTTCCAACTTTCACCGACAAACTTCGCCTCCTGGCTCGACATCTC[C>T]GCAAGATTGGCAGGAGTGATCTTGCAGAAGAGCTCAAATTCAAGTGGGAAAATAAAGTGT-3'
Protein context (NP_001164171.2, residues 864-884): DKLRLLARHL[Arg874Cys]KIGRSDLAEE